The following is an entry in ClinVar:

ClinVar aggregate classification (germline): Pathogenic (1 of 4 stars; one submission).

Submission:

Labcorp Genetics (formerly Invitae), Labcorp
Classification: Pathogenic. Last evaluated: 2025-06-22. Review status: criteria provided, single submitter. Criteria: Invitae Variant Classification Sherloc (09022015). Collection method: clinical testing. Allele origin: germline.
Comment: This sequence change creates a premature translational stop signal (p.Gln71Aspfs*7) in the C1S gene. It is expected to result in an absent or disrupted protein product. Loss-of-function variants in C1S are known to be pathogenic (PMID: 18062908). This variant is not present in population databases (gnomAD no frequency). This variant has not been reported in the literature in individuals affected with C1S-related conditions. ClinVar contains an entry for this variant (Variation ID: 2863263). Algorithms developed to predict the effect of sequence changes on RNA splicing suggest that this variant may disrupt the consensus splice site. For these reasons, this variant has been classified as Pathogenic.

Literature cited by the submitters: PubMed 18062908.

NM_001734.5(C1S):c.211_212del (p.Gln71fs)

Gene: C1S (complement C1s; plus strand). Cytogenetic location: 12p13.31.
Variant type: Deletion.
Coding change: c.211_212del on transcript NM_001734.5 (MANE Select); coding-DNA positions 211 to 212, 2 bases deleted (CA; older notation c.211_212delCA).
Protein change: p.Gln71fs; shifts the reading frame from glutamine 71.
Molecular consequence: frameshift variant. On other transcripts: intron variant (1).
Genome position (GRCh38, 1-based): chr12:7,062,680-7,062,681, CA deleted. VCF-style (leftmost placement, unchanged base first): chr12-7062679-GCA-G. GRCh37 (hg19) VCF-style: chr12-7169983-GCA-G.
Other names: c.211_212del, p.Gln71fs (NM_201442.4); c.-288-210_-288-209del (NM_001346850.2); short protein forms Q71fs.
Identifiers: ClinVar variation 2863263 (VCV002863263.3), dbSNP rs2539593557, ClinGen allele CA2617387505.